The following is an entry in ClinVar:

ClinVar aggregate classification (germline): Uncertain significance (1 of 4 stars; one submission).

Conditions:
PLXNA1-related disorder. Also called: PLXNA1-related condition.

gnomAD v4.1: 22 of 1,613,690 alleles (0.0014%); highest among the groups gnomAD compares: Non-Finnish European, 0.0019%; no homozygotes.

Submission:

PreventionGenetics, part of Exact Sciences
Classification: Uncertain significance for PLXNA1-related condition. Last evaluated: 2026-03-05. Review status: criteria provided, single submitter. Criteria: ACMG Guidelines, 2015. Collection method: clinical testing. Allele origin: germline.
Comment: The PLXNA1 c.2320T>C variant is predicted to result in the amino acid substitution p.Tyr774His. To our knowledge, this variant has not been reported in the literature or in a large population database (gnomAD), indicating this variant is rare. At this time, the clinical significance of this variant is uncertain due to the absence of conclusive functional and genetic evidence.

NM_032242.4(PLXNA1):c.2320T>C (p.Tyr774His)

Gene: PLXNA1 (plexin A1; plus strand). Cytogenetic location: 3q21.3.
Variant type: single nucleotide variant.
Coding change: c.2320T>C on transcript NM_032242.4 (MANE Select); coding-DNA position 2320, T replaced by C.
Protein change: p.Tyr774His; replaces tyrosine 774 with histidine.
Molecular consequence: missense variant.
Genome position (GRCh38, 1-based): chr3:127,014,026, T>C. VCF-style: chr3-127014026-T-C. GRCh37 (hg19) VCF-style: chr3-126732869-T-C.
Other names: short protein forms Y774H.
Identifiers: ClinVar variation 4983957 (VCV004983957.1).